The following is an entry in ClinVar:

NM_001142864.4(PIEZO1):c.1107+6C>T

Genes: HSALR1 (HSP90AB1 associated lncRNA 1; plus strand), PIEZO1 (piezo type mechanosensitive ion channel component 1 (Er blood group); minus strand). Cytogenetic location: 16q24.3.
Variant type: single nucleotide variant.
Coding change: c.1107+6C>T on transcript NM_001142864.4 (MANE Select); 6 bases into the intron after coding-DNA position 1107, C replaced by T.
Molecular consequence: intron variant.
Genome position (GRCh38, 1-based): chr16:88,737,722, G>A on the plus strand (C>T on the coding strand, the complement: PIEZO1 is on the minus strand). VCF-style: chr16-88737722-G-A. GRCh37 (hg19) VCF-style: chr16-88804130-G-A.
Other names: c.1107+6C>T (NM_001142864.3).
Identifiers: ClinVar variation 2713374 (VCV002713374.5), dbSNP rs374599949, ClinGen allele CA8233120.

ClinVar aggregate classification (germline): Uncertain significance. Review status: criteria provided, single submitter (1 of 4 stars). 2 submissions from 2 submitters: Uncertain significance (1). 1 of the submissions does not count toward it. Last evaluated 2023-01-20.

Conditions:
PIEZO1-related disorder. Also called: PIEZO1-related condition; PIEZO1-Related Disorders.

Allele frequency attached by ClinVar (database versions not stated): gnomAD exomes 0.00003; ExAC 0.00011; 1000 Genomes Project 30x 0.00016; ESP Exome Variant Server 0.00022; gnomAD 0.00037; TOPMed 0.00045.
gnomAD v4.1: 102 of 1,535,238 alleles (0.0066%); highest among the groups gnomAD compares: African/African-American, 0.13%; no homozygotes.

Submissions (2):

Labcorp Genetics (formerly Invitae), Labcorp
Classification: Uncertain significance. Last evaluated: 2023-01-20. Review status: criteria provided, single submitter. Criteria: Invitae Variant Classification Sherloc (09022015). Collection method: clinical testing. Allele origin: germline.
Comment: This sequence change falls in intron 9 of the PIEZO1 gene. It does not directly change the encoded amino acid sequence of the PIEZO1 protein. It affects a nucleotide within the consensus splice site. In summary, the available evidence is currently insufficient to determine the role of this variant in disease. Therefore, it has been classified as a Variant of Uncertain Significance. Variants that disrupt the consensus splice site are a relatively common cause of aberrant splicing (PMID: 17576681, 9536098). Algorithms developed to predict the effect of sequence changes on RNA splicing suggest that this variant is not likely to affect RNA splicing. This variant has not been reported in the literature in individuals affected with PIEZO1-related conditions. This variant is present in population databases (rs374599949, gnomAD 0.2%).

PreventionGenetics, part of Exact Sciences
Classification: Likely benign for PIEZO1-related condition. Last evaluated: 2019-05-23. Review status: no assertion criteria provided. Collection method: clinical testing. Allele origin: germline. Not counted in ClinVar's aggregate classification.
Comment: This variant is classified as likely benign based on ACMG/AMP sequence variant interpretation guidelines (Richards et al. 2015 PMID: 25741868, with internal and published modifications).

Literature cited by the submitters: PubMed 17576681 (cited by Labcorp Genetics (formerly Invitae), Labcorp); PubMed 9536098 (cited by Labcorp Genetics (formerly Invitae), Labcorp).